The following is an entry in ClinVar:

NM_001165963.4(SCN1A):c.278_279dup (p.Asn94Ter)

Gene: SCN1A (sodium voltage-gated channel alpha subunit 1; minus strand). Cytogenetic location: 2q24.3.
Variant type: Duplication.
Coding change: c.278_279dup on transcript NM_001165963.4 (MANE Select); coding-DNA positions 278 to 279, 2 bases duplicated (TG; older notation c.278_279dupTG).
Protein change: p.Asn94Ter; replaces asparagine 94 with a stop codon.
Molecular consequence: nonsense. On other transcripts: 5 prime UTR variant (1), non-coding transcript variant (1).
Genome position (GRCh38, 1-based): chr2:166,058,674-166,058,675, CA duplicated on the plus strand (TG on the coding strand, the reverse complement: SCN1A is on the minus strand). VCF-style (leftmost placement, unchanged base first): chr2-166058673-T-TCA. GRCh37 (hg19) VCF-style: chr2-166915183-T-TCA.
Other names: c.278_279dup (NM_001165963.1); c.278_279dup, p.Asn94Ter (NM_001165964.3, NM_001202435.3, NM_001353948.2 and 10 more transcripts); c.-2148_-2147dup (NM_001353961.2); short protein forms N94*.
Identifiers: ClinVar variation 423081 (VCV000423081.11), dbSNP rs1064796213, ClinGen allele CA16617319.

ClinVar aggregate classification (germline): Pathogenic. Review status: criteria provided, multiple submitters, no conflicts (2 of 4 stars). 2 submissions from 2 submitters: Pathogenic (2). Last evaluated 2022-01-15.

Conditions:
Early-infantile DEE. Also called: Early infantile epileptic encephalopathy; Ohtahara syndrome; Early infantile epileptic encephalopathy with suppression bursts. Identifiers: Orphanet 1934, MedGen C0393706, MONDO:0800491.

Submissions (2):

Labcorp Genetics (formerly Invitae), Labcorp
Classification: Pathogenic for Early-infantile DEE. Last evaluated: 2022-01-15. Review status: criteria provided, single submitter. Criteria: Invitae Variant Classification Sherloc (09022015). Collection method: clinical testing. Allele origin: germline.
Comment: For these reasons, this variant has been classified as Pathogenic. ClinVar contains an entry for this variant (Variation ID: 423081). This variant has not been reported in the literature in individuals affected with SCN1A-related conditions. This variant is not present in population databases (gnomAD no frequency). This sequence change creates a premature translational stop signal (p.Asn94*) in the SCN1A gene. It is expected to result in an absent or disrupted protein product. Loss-of-function variants in SCN1A are known to be pathogenic (PMID: 17347258, 18930999).

GeneDx
Classification: Pathogenic. Last evaluated: 2017-01-26. Review status: criteria provided, single submitter. Criteria: GeneDx Variant Classification (06012015). Collection method: clinical testing. Allele origin: germline. Affected: yes.
Comment: The c.278_279dupTG variant in the SCN1A gene causes a frameshift starting with codon Asparagine 94 and changes this amino acid to a premature Stop codon, denoted p.Asn94Ter. This pathogenic variant is predicted to cause loss of normal protein function either through protein truncation or nonsense-mediated mRNA decay. Furthermore, the c.278_279dupTG variant is not observed in large population cohorts (Lek et al., 2016; 1000 Genomes Consortium et al., 2015; Exome Variant Server). Although this pathogenic variant has not been reported previously to our knowledge, other truncating variants in the SCN1A gene have been reported in association with SCN1A-related disorders (SCN1A Variant Database; Stenson et al., 2014).

Literature cited by the submitters: PubMed 17347258 (cited by Labcorp Genetics (formerly Invitae), Labcorp); PubMed 18930999 (cited by Labcorp Genetics (formerly Invitae), Labcorp).